The following is an entry in ClinVar:

NM_016580.4(PCDH12):c.175C>T (p.Arg59Trp)

Genes: PCDH12 (protocadherin 12; minus strand), RNF14 (ring finger protein 14; plus strand). Cytogenetic location: 5q31.3.
Variant type: single nucleotide variant.
Coding change: c.175C>T on transcript NM_016580.4 (MANE Select); coding-DNA position 175, C replaced by T.
Protein change: p.Arg59Trp; replaces arginine 59 with tryptophan.
Molecular consequence: missense variant.
Genome position (GRCh38, 1-based): chr5:141,957,677, G>A on the plus strand (C>T on the coding strand, the complement: PCDH12 is on the minus strand). VCF-style: chr5-141957677-G-A. GRCh37 (hg19) VCF-style: chr5-141337242-G-A.
Other names: short protein forms R59W.
Identifiers: ClinVar variation 1984877 (VCV001984877.2), dbSNP rs1395450393, ClinGen allele CA361592181.

ClinVar aggregate classification (germline): Uncertain significance (1 of 4 stars; one submission).

gnomAD v4.1: 16 of 1,614,012 alleles (0.00099%); highest among the groups gnomAD compares: Middle Eastern, 0.016%; no homozygotes.

Submission:

Labcorp Genetics (formerly Invitae), Labcorp
Classification: Uncertain significance. Last evaluated: 2022-06-17. Review status: criteria provided, single submitter. Criteria: Invitae Variant Classification Sherloc (09022015). Collection method: clinical testing. Allele origin: germline.
Comment: In summary, the available evidence is currently insufficient to determine the role of this variant in disease. Therefore, it has been classified as a Variant of Uncertain Significance. Advanced modeling of protein sequence and biophysical properties (such as structural, functional, and spatial information, amino acid conservation, physicochemical variation, residue mobility, and thermodynamic stability) performed at Invitae indicates that this missense variant is not expected to disrupt PCDH12 protein function. This variant has not been reported in the literature in individuals affected with PCDH12-related conditions. This variant is present in population databases (no rsID available, gnomAD 0.002%). This sequence change replaces arginine, which is basic and polar, with tryptophan, which is neutral and slightly polar, at codon 59 of the PCDH12 protein (p.Arg59Trp).